The following is an entry in ClinVar:

NM_144701.3(IL23R):c.392T>C (p.Val131Ala)

Gene: IL23R (interleukin 23 receptor; plus strand). Cytogenetic location: 1p31.3.
Variant type: single nucleotide variant.
Coding change: c.392T>C on transcript NM_144701.3 (MANE Select); coding-DNA position 392, T replaced by C.
Protein change: p.Val131Ala; replaces valine 131 with alanine.
Molecular consequence: missense variant.
Genome position (GRCh38, 1-based): chr1:67,182,860, T>C. VCF-style: chr1-67182860-T-C. GRCh37 (hg19) VCF-style: chr1-67648543-T-C.
Other names: short protein forms V131A.
Identifiers: ClinVar variation 4700413 (VCV004700413.1).

ClinVar aggregate classification (germline): Uncertain significance (1 of 4 stars; one submission).

gnomAD v4.1: 15 of 1,614,098 alleles (0.00093%); highest among the groups gnomAD compares: South Asian, 0.0022%; no homozygotes.

Submission:

Labcorp Genetics (formerly Invitae), Labcorp
Classification: Uncertain significance. Last evaluated: 2025-10-01. Review status: criteria provided, single submitter. Criteria: Invitae Variant Classification Sherloc (09022015). Collection method: clinical testing. Allele origin: germline.
Comment: This sequence change replaces valine, which is neutral and non-polar, with alanine, which is neutral and non-polar, at codon 131 of the IL23R protein (p.Val131Ala). This variant is present in population databases (rs771938488, gnomAD 0.004%). This variant has not been reported in the literature in individuals affected with IL23R-related conditions. An algorithm developed to predict the effect of missense changes on protein structure and function (PolyPhen-2) suggests that this variant is likely to be disruptive. In summary, the available evidence is currently insufficient to determine the role of this variant in disease. Therefore, it has been classified as a Variant of Uncertain Significance.